The following is an entry in ClinVar:

NM_024675.4(PALB2):c.2002del (p.Met668fs)

Gene: PALB2 (partner and localizer of BRCA2; minus strand). Cytogenetic location: 16p12.2.
Variant type: Deletion.
Coding change: c.2002del on transcript NM_024675.4 (MANE Select); coding-DNA position 2002, one base deleted (A; older notation c.2002delA).
Protein change: p.Met668fs; shifts the reading frame from methionine 668.
Molecular consequence: frameshift variant.
Genome position (GRCh38, 1-based): chr16:23,630,152, T deleted on the plus strand (A on the coding strand, the reverse complement: PALB2 is on the minus strand); the first of 3 consecutive T bases (chr16:23,630,152-23,630,154); deleting any one gives the same sequence. VCF-style (leftmost placement, unchanged base first): chr16-23630151-AT-A. GRCh37 (hg19) VCF-style: chr16-23641472-AT-A.
Other names: c.2002delA (NM_024675.3); short protein forms M668fs.
Identifiers: ClinVar variation 482042 (VCV000482042.5), dbSNP rs1555460526, ClinGen allele CA658658410.
Genomic context (GRCh38, chr16:23,630,151, plus strand): 5'-TTTGGCCTTTTGGGATGTGATTTTCCTGGTAGAACAATAAGGTCCTCTTCTAAGTCCTCC[AT>A]TTCTGTATCCATGCGTTTAGGACTCAGTTCCTCTGGAAAAATACAGCTTCCCTCTTTAAG-3'

ClinVar aggregate classification (germline): Pathogenic (1 of 4 stars; one submission).

Conditions:
Hereditary cancer-predisposing syndrome. Also called: Neoplastic Syndromes, Hereditary; Tumor predisposition; Hereditary Cancer Syndrome; Hereditary neoplastic syndrome. Identifiers: Orphanet 140162, MedGen C0027672, MeSH D009386, MONDO:0015356.

Submission:

Ambry Genetics
Classification: Pathogenic for Hereditary cancer-predisposing syndrome. Last evaluated: 2016-10-13. Review status: criteria provided, single submitter. Criteria: Ambry Variant Classification Scheme 2023. Collection method: clinical testing. Allele origin: germline.
Comment: The c.2002delA pathogenic mutation, located in coding exon 5 of the PALB2 gene, results from a deletion of one nucleotide at nucleotide position 2002, causing a translational frameshift with a predicted alternate stop codon. This alteration is expected to result in loss of function by premature protein truncation or nonsense-mediated mRNA decay. As such, this alteration is interpreted as a disease-causing mutation.